The following is an entry in ClinVar:

NM_020433.5(JPH2):c.1137C>T (p.Ile379=)

Gene: JPH2 (junctophilin 2; minus strand). Cytogenetic location: 20q13.12.
Variant type: single nucleotide variant.
Coding change: c.1137C>T on transcript NM_020433.5 (MANE Select); coding-DNA position 1137, C replaced by T.
Protein change: p.Ile379=; no amino-acid change (isoleucine 379 retained).
Molecular consequence: synonymous variant.
Genome position (GRCh38, 1-based): chr20:44,159,650, G>A on the plus strand (C>T on the coding strand, the complement: JPH2 is on the minus strand). VCF-style: chr20-44159650-G-A. GRCh37 (hg19) VCF-style: chr20-42788290-G-A.
Identifiers: ClinVar variation 508878 (VCV000508878.3), dbSNP rs143158930, ClinGen allele CA9868742.
Genomic context (GRCh38, chr20:44,159,650, plus strand): 5'-CCCCTTCCCACCCCCACCGCTGTCCTACCTGGAGGCGGCAATCTCGGCCTTCTGGCGCGC[G>A]ATAGCAGCGGCGCGCTGGGCACCCTCCACACTGTGCTCCACTTTCTGGCGGACCTTGTTG-3'
Protein context (NP_065166.2, residues 369-389): SVEGAQRAAA[Ile379=]ARQKAEIAAS

ClinVar aggregate classification (germline): Likely benign. Review status: criteria provided, multiple submitters, no conflicts (2 of 4 stars). 3 submissions from 3 submitters: Likely benign (3). Last evaluated 2025-06-04.

Conditions:
Hypertrophic cardiomyopathy. Also called: HYPERTROPHIC MYOCARDIOPATHY. Identifiers: Orphanet 217569, MedGen C0007194, MeSH D002312, MONDO:0005045, HP:0001639.

gnomAD v4.1: 5 of 1,607,918 alleles (0.00031%); highest among the groups gnomAD compares: Non-Finnish European, 0.00042%; no homozygotes.

Submissions (3):

Labcorp Genetics (formerly Invitae), Labcorp
Classification: Likely benign for Hypertrophic cardiomyopathy. Last evaluated: 2025-06-04. Review status: criteria provided, single submitter. Criteria: Invitae Variant Classification Sherloc (09022015). Collection method: clinical testing. Allele origin: germline.

Blueprint Genetics
Classification: Likely benign. Last evaluated: 2021-04-12. Review status: criteria provided, single submitter. Criteria: ACMG Guidelines, 2015. Collection method: clinical testing. Allele origin: germline.

GeneDx
Classification: Likely benign. Last evaluated: 2017-04-13. Review status: criteria provided, single submitter. Criteria: GeneDx Variant Classification (06012015). Collection method: clinical testing. Allele origin: germline. Affected: yes.
Comment: This variant is considered likely benign or benign based on one or more of the following criteria: it is a conservative change, it occurs at a poorly conserved position in the protein, it is predicted to be benign by multiple in silico algorithms, and/or has population frequency not consistent with disease.